The following is an entry in ClinVar:

ClinVar aggregate classification (germline): Uncertain significance. Review status: criteria provided, multiple submitters, no conflicts (2 of 4 stars). 2 submissions from 2 submitters: Uncertain significance (2). Last evaluated 2023-05-18.

Conditions:
Hereditary cancer-predisposing syndrome. Also called: Hereditary Cancer Syndrome; Tumor predisposition; Neoplastic Syndromes, Hereditary; Hereditary neoplastic syndrome. Identifiers: Orphanet 140162, MedGen C0027672, MeSH D009386, MONDO:0015356.
Familial cancer of breast. Also called: BREAST CANCER, FAMILIAL; Hereditary breast cancer; hereditary breast carcinoma. Identifiers: Orphanet 227535, MedGen C0346153, MONDO:0016419, OMIM 114480. Disease mechanism: loss of function.

Allele frequency attached by ClinVar (database versions not stated): TOPMed below 0.00001.

Submissions (2):

Ambry Genetics
Classification: Uncertain significance for Hereditary cancer-predisposing syndrome. Last evaluated: 2023-05-18. Review status: criteria provided, single submitter. Criteria: Ambry Variant Classification Scheme 2023. Collection method: clinical testing. Allele origin: germline.
Comment: The p.P569T variant (also known as c.1705C>A), located in coding exon 8 of the BARD1 gene, results from a C to A substitution at nucleotide position 1705. The proline at codon 569 is replaced by threonine, an amino acid with highly similar properties. This amino acid position is conserved. In addition, the in silico prediction for this alteration is inconclusive. Since supporting evidence is limited at this time, the clinical significance of this alteration remains unclear.

Labcorp Genetics (formerly Invitae), Labcorp
Classification: Uncertain significance for Familial cancer of breast. Last evaluated: 2021-08-31. Review status: criteria provided, single submitter. Criteria: Invitae Variant Classification Sherloc (09022015). Collection method: clinical testing. Allele origin: germline.
Comment: This sequence change replaces proline with threonine at codon 569 of the BARD1 protein (p.Pro569Thr). The proline residue is highly conserved and there is a small physicochemical difference between proline and threonine. This variant is not present in population databases (ExAC no frequency). This variant has not been reported in the literature in individuals affected with BARD1-related conditions. Algorithms developed to predict the effect of missense changes on protein structure and function (SIFT, PolyPhen-2, Align-GVGD) all suggest that this variant is likely to be tolerated. In summary, the available evidence is currently insufficient to determine the role of this variant in disease. Therefore, it has been classified as a Variant of Uncertain Significance.

NM_000465.4(BARD1):c.1705C>A (p.Pro569Thr)

Gene: BARD1 (BRCA1 associated RING domain 1; minus strand). Cytogenetic location: 2q35.
Variant type: single nucleotide variant.
Coding change: c.1705C>A on transcript NM_000465.4 (MANE Select); coding-DNA position 1705, C replaced by A.
Protein change: p.Pro569Thr; replaces proline 569 with threonine.
Molecular consequence: missense variant. On other transcripts: non-coding transcript variant (3), intron variant (1).
Genome position (GRCh38, 1-based): chr2:214,745,827, G>T on the plus strand (C>A on the coding strand, the complement: BARD1 is on the minus strand). VCF-style: chr2-214745827-G-T. GRCh37 (hg19) VCF-style: chr2-215610551-G-T.
Other names: c.1705C>A (NM_000465.2); c.1648C>A, p.Pro550Thr (NM_001282543.2); c.352C>A, p.Pro118Thr (NM_001282545.2); c.295C>A, p.Pro99Thr (NM_001282548.2); c.365-15319C>A (NM_001282549.2); short protein forms P118T, P550T, P569T, P99T.
Identifiers: ClinVar variation 1014609 (VCV001014609.8), dbSNP rs1341946052, ClinGen allele CA350453242.